The following is an entry in ClinVar:

NM_003126.4(SPTA1):c.7039G>A (p.Glu2347Lys)

Gene: SPTA1 (spectrin alpha, erythrocytic 1; minus strand). Cytogenetic location: 1q23.1.
Variant type: single nucleotide variant.
Coding change: c.7039G>A on transcript NM_003126.4 (MANE Select); coding-DNA position 7039, G replaced by A.
Protein change: p.Glu2347Lys; replaces glutamic acid 2347 with lysine.
Molecular consequence: missense variant.
Genome position (GRCh38, 1-based): chr1:158,612,912, C>T on the plus strand (G>A on the coding strand, the complement: SPTA1 is on the minus strand). VCF-style: chr1-158612912-C-T. GRCh37 (hg19) VCF-style: chr1-158582702-C-T.
Other names: short protein forms E2347K.
Identifiers: ClinVar variation 3766727 (VCV003766727.2).

ClinVar aggregate classification (germline): Uncertain significance. Review status: criteria provided, multiple submitters, no conflicts (2 of 4 stars). 2 submissions from 2 submitters: Uncertain significance (2). Last evaluated 2025-12-29.

Submissions (2):

Center for Genomic Medicine, Rigshospitalet, Copenhagen University Hospital
Classification: Uncertain significance. Last evaluated: 2025-12-29. Review status: criteria provided, single submitter. Criteria: ACMG Guidelines, 2015. Collection method: clinical testing. Allele origin: germline.
Comment: Classification criteria: PM2_supporting

ARUP Laboratories, Molecular Genetics and Genomics, ARUP Laboratories
Classification: Uncertain significance. Last evaluated: 2024-07-15. Review status: criteria provided, single submitter. Criteria: ARUP Molecular Germline Variant Investigation Process 2024. Collection method: clinical testing. Allele origin: germline.